The following is an entry in ClinVar:

ClinVar aggregate classification (germline): Uncertain significance (1 of 4 stars; one submission).

Conditions:
Tay-Sachs disease (TSD). Also called: GM2 gangliosidosis, type 1; Hexosaminidase alpha-subunit deficiency (variant B); Sphingolipidosis, Tay-Sachs; Hexosaminidase A Deficiency; HEXA DEFICIENCY; HEXA Disorders. Identifiers: Orphanet 845, MedGen C0039373, MONDO:0010100, OMIM 272800.

Allele frequency attached by ClinVar (database versions not stated): ExAC 0.00001.
gnomAD v4.1: 2 of 1,596,744 alleles (0.00013%); highest among the groups gnomAD compares: South Asian, 0.0022%; no homozygotes.

Submission:

Labcorp Genetics (formerly Invitae), Labcorp
Classification: Uncertain significance for Tay-Sachs disease. Last evaluated: 2018-04-12. Review status: criteria provided, single submitter. Criteria: Invitae Variant Classification Sherloc (09022015). Collection method: clinical testing. Allele origin: germline.
Comment: This sequence change replaces threonine with serine at codon 189 of the HEXA protein (p.Thr189Ser). The threonine residue is highly conserved and there is a small physicochemical difference between threonine and serine. This variant is present in population databases (rs753831831, ExAC 0.006%). This variant has not been reported in the literature in individuals with HEXA-related disease. Algorithms developed to predict the effect of missense changes on protein structure and function do not agree on the potential impact of this missense change (SIFT: "Tolerated"; PolyPhen-2: "Probably Damaging"; Align-GVGD: "Class C0"). Algorithms developed to predict the effect of sequence changes on RNA splicing suggest that this variant may create or strengthen a splice site, but this prediction has not been confirmed by published transcriptional studies. In summary, the available evidence is currently insufficient to determine the role of this variant in disease. Therefore, it has been classified as a Variant of Uncertain Significance.

NM_000520.6(HEXA):c.566C>G (p.Thr189Ser)

Gene: HEXA (hexosaminidase subunit alpha; minus strand). Cytogenetic location: 15q23.
Variant type: single nucleotide variant.
Coding change: c.566C>G on transcript NM_000520.6 (MANE Select); coding-DNA position 566, C replaced by G.
Protein change: p.Thr189Ser; replaces threonine 189 with serine.
Molecular consequence: missense variant. On other transcripts: non-coding transcript variant (1).
Genome position (GRCh38, 1-based): chr15:72,353,072, G>C on the plus strand (C>G on the coding strand, the complement: HEXA is on the minus strand). VCF-style: chr15-72353072-G-C. GRCh37 (hg19) VCF-style: chr15-72645413-G-C.
Other names: c.599C>G, p.Thr200Ser (NM_001318825.2); short protein forms T189S, T200S.
Identifiers: ClinVar variation 2169002 (VCV002169002.1), dbSNP rs753831831, ClinGen allele CA7644968.
Genomic context (GRCh38, chr15:72,353,072, plus strand): 5'-GTTGCTCCATCACCCTAGAACTCTTAAGTGTGAAGAAGGCCTTAAGGCCTGGTTACCAGA[G>C]TGTCCAGGATGCTAGAGAGTGGCAGGTAATGGCGAGATGTATCCAACAGCAAGCCCCGGT-3'
Protein context (NP_000511.2, residues 179-199): HYLPLSSILD[Thr189Ser]LDVMAYNKLN